The following is an entry in ClinVar:

NM_018413.6(CHST11):c.296G>A (p.Arg99Gln)

Gene: CHST11 (carbohydrate sulfotransferase 11; plus strand). Cytogenetic location: 12q23.3.
Variant type: single nucleotide variant.
Coding change: c.296G>A on transcript NM_018413.6 (MANE Select); coding-DNA position 296, G replaced by A.
Protein change: p.Arg99Gln; replaces arginine 99 with glutamine.
Molecular consequence: missense variant.
Genome position (GRCh38, 1-based): chr12:104,757,040, G>A. VCF-style: chr12-104757040-G-A. GRCh37 (hg19) VCF-style: chr12-105150818-G-A.
Other names: c.281G>A, p.Arg94Gln (NM_001173982.2); short protein forms R94Q, R99Q.
Identifiers: ClinVar variation 3051344 (VCV003051344.2), dbSNP rs138320785, ClinGen allele CA6756573.

ClinVar aggregate classification (germline): Likely benign (0 of 4 stars; one submission).

Conditions:
CHST11-related disorder. Also called: CHST11-related condition.

Allele frequency attached by ClinVar (database versions not stated): ESP Exome Variant Server 0.00023.
gnomAD v4.1: 472 of 1,613,988 alleles (0.029%); highest among the groups gnomAD compares: Middle Eastern, 0.21%; 1 homozygote.

Submission:

PreventionGenetics, part of Exact Sciences
Classification: Likely benign for CHST11-related condition. Last evaluated: 2023-04-10. Review status: no assertion criteria provided. Collection method: clinical testing. Allele origin: germline.
Comment: This variant is classified as likely benign based on ACMG/AMP sequence variant interpretation guidelines (Richards et al. 2015 PMID: 25741868, with internal and published modifications).